The following is an entry in ClinVar:

NM_134261.3(RORA):c.1549C>G (p.Pro517Ala)

Genes: RORA (RAR related orphan receptor A; minus strand), RORA-AS1 (RORA antisense RNA 1; plus strand). Cytogenetic location: 15q22.2.
Variant type: single nucleotide variant.
Coding change: c.1549C>G on transcript NM_134261.3 (MANE Select); coding-DNA position 1549, C replaced by G.
Protein change: p.Pro517Ala; replaces proline 517 with alanine.
Molecular consequence: missense variant.
Genome position (GRCh38, 1-based): chr15:60,497,478, G>C on the plus strand (C>G on the coding strand, the complement: RORA is on the minus strand). VCF-style: chr15-60497478-G-C. GRCh37 (hg19) VCF-style: chr15-60789677-G-C.
Other names: c.1624C>G, p.Pro542Ala (NM_002943.4); c.1648C>G, p.Pro550Ala (NM_134260.3); c.1384C>G, p.Pro462Ala (NM_134262.3); short protein forms P462A, P517A, P542A, P550A.
Identifiers: ClinVar variation 3365469 (VCV003365469.1).

ClinVar aggregate classification (germline): Uncertain significance (1 of 4 stars; one submission).

Submission:

GeneDx
Classification: Uncertain significance. Last evaluated: 2023-12-15. Review status: criteria provided, single submitter. Criteria: GeneDx Variant Classification Process June 2021. Collection method: clinical testing. Allele origin: germline. Affected: yes.
Comment: Not observed at significant frequency in large population cohorts (gnomAD); In silico analysis supports that this missense variant does not alter protein structure/function; Has not been previously published as pathogenic or benign to our knowledge